The following is an entry in ClinVar:

NM_014516.4(CNOT3):c.710C>T (p.Ala237Val)

Gene: CNOT3 (CCR4-NOT transcription complex subunit 3; plus strand). Cytogenetic location: 19q13.42.
Variant type: single nucleotide variant.
Coding change: c.710C>T on transcript NM_014516.4 (MANE Select); coding-DNA position 710, C replaced by T.
Protein change: p.Ala237Val; replaces alanine 237 with valine.
Molecular consequence: missense variant.
Genome position (GRCh38, 1-based): chr19:54,145,916, C>T. VCF-style: chr19-54145916-C-T. GRCh37 (hg19) VCF-style: chr19-54649652-C-T.
Other names: short protein forms A237V.
Identifiers: ClinVar variation 975369 (VCV000975369.5), dbSNP rs767913658, ClinGen allele CA309339155.

ClinVar aggregate classification (germline): Conflicting classifications of pathogenicity. Review status: criteria provided, conflicting classifications (1 of 4 stars). 3 submissions from 3 submitters: Uncertain significance (1); Likely benign (1). 1 of the submissions does not count toward it. Last evaluated 2023-01-14.

Conditions:
Intellectual disability. Also called: intellectual disabilities; Intellectual developmental disorder; Intellectual functioning disability. Identifiers: MedGen C3714756, MeSH D008607, MONDO:0001071, HP:0001249.

Allele frequency attached by ClinVar (database versions not stated): TOPMed 0.00001; gnomAD 0.00001; gnomAD exomes 0.00001 and 0.00002; ExAC 0.00002.
gnomAD v4.1: 19 of 1,613,306 alleles (0.0012%); highest among the groups gnomAD compares: East Asian, 0.0022%; no homozygotes.

Submissions (3):

Labcorp Genetics (formerly Invitae), Labcorp
Classification: Uncertain significance. Last evaluated: 2023-01-14. Review status: criteria provided, single submitter. Criteria: Invitae Variant Classification Sherloc (09022015). Collection method: clinical testing. Allele origin: germline.
Comment: In summary, the available evidence is currently insufficient to determine the role of this variant in disease. Therefore, it has been classified as a Variant of Uncertain Significance. Algorithms developed to predict the effect of missense changes on protein structure and function (SIFT, PolyPhen-2, Align-GVGD) all suggest that this variant is likely to be tolerated. ClinVar contains an entry for this variant (Variation ID: 975369). This variant has not been reported in the literature in individuals affected with CNOT3-related conditions. This variant is present in population databases (rs767913658, gnomAD 0.003%). This sequence change replaces alanine, which is neutral and non-polar, with valine, which is neutral and non-polar, at codon 237 of the CNOT3 protein (p.Ala237Val).

Breakthrough Genomics
Classification: Likely benign. Review status: criteria provided, single submitter. Criteria: ACMG Guidelines, 2015. Collection method: not provided. Allele origin: germline. Inheritance: Autosomal dominant inheritance. Affected: yes.

Centre de Biologie Pathologie Génétique, Centre Hospitalier Universitaire de Lille
Classification: Likely benign for Intellectual disability. Last evaluated: 2019-01-01. Review status: no assertion criteria provided. Collection method: clinical testing. Allele origin: inherited. Affected: yes. Not counted in ClinVar's aggregate classification.